The following is an entry in ClinVar:

NM_006060.6(IKZF1):c.563T>C (p.Leu188Pro)

Gene: IKZF1 (IKAROS family zinc finger 1; plus strand). Cytogenetic location: 7p12.2.
Variant type: single nucleotide variant.
Coding change: c.563T>C on transcript NM_006060.6 (MANE Select); coding-DNA position 563, T replaced by C.
Protein change: p.Leu188Pro; replaces leucine 188 with proline.
Molecular consequence: missense variant. On other transcripts: intron variant (6).
Genome position (GRCh38, 1-based): chr7:50,382,681, T>C. VCF-style: chr7-50382681-T-C. GRCh37 (hg19) VCF-style: chr7-50450379-T-C.
Other names: c.563T>C, p.Leu188Pro (NM_001220765.3, NM_001220768.2, NM_001291837.2); c.302T>C, p.Leu101Pro (NM_001220767.2, NM_001220770.2, NM_001291838.2 and 1 more transcripts); c.623T>C, p.Leu208Pro (NM_001410879.1); c.421+5888T>C (NM_001220771.2); c.161-4664T>C (NM_001291841.1, NM_001291842.1); c.161-9048T>C (NM_001291843.1, NM_001291844.1); c.161-17237T>C (NM_001291840.1); short protein forms L101P, L188P, L208P.
Identifiers: ClinVar variation 2576085 (VCV002576085.3), dbSNP rs2538289831, ClinGen allele CA367531531.

ClinVar aggregate classification (germline): Uncertain significance. Review status: criteria provided, multiple submitters, no conflicts (2 of 4 stars). 2 submissions from 2 submitters: Uncertain significance (2). Last evaluated 2024-11-12.

Submissions (2):

Labcorp Genetics (formerly Invitae), Labcorp
Classification: Uncertain significance. Last evaluated: 2024-11-12. Review status: criteria provided, single submitter. Criteria: Invitae Variant Classification Sherloc (09022015). Collection method: clinical testing. Allele origin: germline.
Comment: This sequence change replaces leucine, which is neutral and non-polar, with proline, which is neutral and non-polar, at codon 188 of the IKZF1 protein (p.Leu188Pro). This variant is not present in population databases (gnomAD no frequency). This variant has not been reported in the literature in individuals affected with IKZF1-related conditions. ClinVar contains an entry for this variant (Variation ID: 2576085). An algorithm developed to predict the effect of missense changes on protein structure and function (PolyPhen-2) suggests that this variant is likely to be disruptive. In summary, the available evidence is currently insufficient to determine the role of this variant in disease. Therefore, it has been classified as a Variant of Uncertain Significance.

Institute for Clinical Genetics, University Hospital TU Dresden, University Hospital TU Dresden
Classification: Uncertain significance. Last evaluated: 2023-02-23. Review status: criteria provided, single submitter. Criteria: ACMG Guidelines, 2015. Collection method: clinical testing. Allele origin: germline.
Comment: PM1, PM2_SUP, PM5